The following is an entry in ClinVar:

NM_001370100.5(ZMYND11):c.912_915del (p.Asn304fs)

Gene: ZMYND11 (zinc finger MYND-type containing 11; plus strand). Cytogenetic location: 10p15.3.
Variant type: Deletion.
Coding change: c.912_915del on transcript NM_001370100.5 (MANE Select); coding-DNA positions 912 to 915, 4 bases deleted (TCAA; older notation c.912_915delTCAA).
Protein change: p.Asn304fs; shifts the reading frame from asparagine 304.
Molecular consequence: frameshift variant. On other transcripts: non-coding transcript variant (1).
Genome position (GRCh38, 1-based): chr10:242,101-242,104, TCAA deleted; deleting any 4 consecutive bases within chr10:242,098-242,104 gives the same sequence; the c. name uses the placement nearest the transcript's 3' end. VCF-style (leftmost placement, unchanged base first): chr10-242097-ACAAT-A. GRCh37 (hg19) VCF-style: chr10-288037-ACAAT-A.
Other names: c.750_753del, p.Asn250fs (NM_001202464.3, NM_001202467.1, NM_001370105.2 and 6 more transcripts); c.657_660del, p.Asn219fs (NM_001202465.3, NM_001370110.2); c.747_750del, p.Asn249fs (NM_001202466.3, NM_001370111.2); c.912_915del, p.Asn304fs (NM_001202468.1, NM_006624.7, NM_001370097.3 and 5 more transcripts); c.861_864del, p.Asn287fs (NM_001330057.3, NM_001370112.2); c.819_822del, p.Asn273fs (NM_001370113.2, NM_001370114.2); c.555_558del, p.Asn185fs (NM_001370123.2); c.441_444del, p.Asn147fs (NM_001370124.3); and 7 more; short protein forms N147fs, N185fs, N202fs, N210fs, N219fs, N228fs, N249fs, N250fs.
Identifiers: ClinVar variation 3369996 (VCV003369996.5).

ClinVar aggregate classification (germline): Pathogenic/Likely pathogenic. Review status: criteria provided, multiple submitters, no conflicts (2 of 4 stars). 4 submissions from 4 submitters: Pathogenic (3); Likely pathogenic (1). Last evaluated 2026-06-17.

Conditions:
Intellectual developmental disorder, autosomal dominant 30, with speech delay and behavioral abnormalities. Also called: Intellectual disability, autosomal dominant 30. Identifiers: Orphanet 436151, MedGen C4015167, MONDO:0014486, OMIM 616083.

Submissions (4):

GeneDx
Classification: Pathogenic. Last evaluated: 2026-06-17. Review status: criteria provided, single submitter. Criteria: GeneDx Variant Classification Process June 2021. Collection method: clinical testing. Allele origin: germline.
Comment: Frameshift variant predicted to result in protein truncation or nonsense mediated decay in a gene for which loss of function is a known mechanism of disease; Not observed at significant frequency in large population cohorts (gnomAD); Has not been previously published as pathogenic or benign to our knowledge

Labcorp Genetics (formerly Invitae), Labcorp
Classification: Pathogenic. Last evaluated: 2025-07-30. Review status: criteria provided, single submitter. Criteria: Invitae Variant Classification Sherloc (09022015). Collection method: clinical testing. Allele origin: germline.
Comment: This sequence change creates a premature translational stop signal (p.Asn304Lysfs*33) in the ZMYND11 gene. It is expected to result in an absent or disrupted protein product. Loss-of-function variants in ZMYND11 are known to be pathogenic (PMID: 25217958). This variant is not present in population databases (gnomAD no frequency). This variant has not been reported in the literature in individuals affected with ZMYND11-related conditions. ClinVar contains an entry for this variant (Variation ID: 3369996). For these reasons, this variant has been classified as Pathogenic.

Variantyx, Inc.
Classification: Likely pathogenic for Intellectual developmental disorder, autosomal dominant 30, with speech delay and behavioral abnormalities. Last evaluated: 2025-04-21. Review status: criteria provided, single submitter. Criteria: Variantyx Assertion Criteria 2022. Collection method: clinical testing. Allele origin: germline. Inheritance: Autosomal dominant inheritance. Affected: yes.
Comment: This is a frameshift variant in the ZMYND11 gene (OMIM: 608668). Pathogenic variants in this gene have been associated with autosomal dominant intellectual developmental disorder 30. This variant introduces a premature termination codon in exon 10 out of 15 and is expected to result in loss of function, which is a known disease mechanism for ZMYND11 in this disorder (PMID: 25217958, 22542183, 27626064) (PVS1). This variant is absent from control populations (PM2). Based on the current evidence, this variant is classified as likely pathogenic for autosomal dominant intellectual developmental disorder 30.

Centre of Medical Genetics, University Hospital Muenster
Classification: Pathogenic. Last evaluated: 2023-04-11. Review status: criteria provided, single submitter. Criteria: ACMG Guidelines, 2015. Collection method: clinical testing. Allele origin: unknown. Affected: yes. Observed: 1 variant allele, 1 heterozygote.
Comment: ACMG categories: PVS1,PM2,PM6

Literature cited by the submitters: PubMed 25217958 (cited by Labcorp Genetics (formerly Invitae), Labcorp and Variantyx, Inc.); PubMed 22542183 (cited by Variantyx, Inc.); PubMed 27626064 (cited by Variantyx, Inc.).